The following is an entry in ClinVar:

ClinVar aggregate classification (germline): Likely pathogenic. Review status: reviewed by expert panel (3 of 4 stars). 3 submissions from 3 submitters: Likely pathogenic (1). 2 of the submissions do not count toward it. Last evaluated 2023-04-14.

Conditions:
Developmental and epileptic encephalopathy, 2 (DEE2). Also called: INFANTILE SPASM SYNDROME, X-LINKED 2; CDKL5 deficiency disorder. Identifiers: Orphanet 1934, Orphanet 3451, Orphanet 505652, MedGen C4750718, MONDO:0010396, OMIM 300672.
CDKL5 disorder. Identifiers: MedGen CN296942, MONDO:0100039.
Angelman syndrome-like. Identifiers: MedGen CN128785.

Submissions (4):

ClinGen Rett and Angelman-like Disorders Variant Curation Expert Panel
Classification: Likely pathogenic for CDKL5 disorder. Last evaluated: 2023-04-14. Review status: reviewed by expert panel. Criteria: ClinGen RettAS ACMG Specifications V2. Collection method: curation. Allele origin: germline. Inheritance: X-linked inheritance.
Comment: The p.Gly22Glu variant occurs in the well-characterized ATP binding region functional domain of the CDKL5 gene (PM1). A pathogenic missense variant (p.Gly22Ala) has been previously identified within this codon which indicates that this residue is critical to the function of the protein ( GeneDx internal database) (PM5). The p.Gly22Glu variant in CDKL5 is absent from gnomAD (PM2_supporting). Computational prediction analysis tools suggests a deleterious impact; however, this information does not predict clinical significance on its own (PP3). In summary, the p.Gly22Glu variant in CDKL5 is classified as likely pathogenic for a CDKL5-related disorder based on the ACMG/AMP criteria (PM1, PM5, PM2_supporting, PP3).

Labcorp Genetics (formerly Invitae), Labcorp
Classification: Uncertain significance for Developmental and epileptic encephalopathy, 2; Angelman syndrome-like. Last evaluated: 2022-06-17. Review status: criteria provided, single submitter. Criteria: Invitae Variant Classification Sherloc (09022015). Collection method: clinical testing. Allele origin: germline. Not counted in ClinVar's aggregate classification.
Comment: In summary, the available evidence is currently insufficient to determine the role of this variant in disease. Therefore, it has been classified as a Variant of Uncertain Significance. This sequence change replaces glycine, which is neutral and non-polar, with glutamic acid, which is acidic and polar, at codon 22 of the CDKL5 protein (p.Gly22Glu). This variant is not present in population databases (gnomAD no frequency). This variant has not been reported in the literature in individuals affected with CDKL5-related conditions. ClinVar contains an entry for this variant (Variation ID: 803714). Algorithms developed to predict the effect of missense changes on protein structure and function are either unavailable or do not agree on the potential impact of this missense change (SIFT: "Deleterious"; PolyPhen-2: "Probably Damaging"; Align-GVGD: "Class C0"). Algorithms developed to predict the effect of sequence changes on RNA splicing suggest that this variant may disrupt the consensus splice site.

Mendelics
Classification: Likely pathogenic for Developmental and epileptic encephalopathy, 2. Last evaluated: 2019-05-28. Review status: criteria provided, single submitter. Criteria: Mendelics Assertion Criteria 2017. Collection method: clinical testing. Allele origin: unknown. Not counted in ClinVar's aggregate classification.

Dr. Peter K. Rogan Lab, Western University
No classification provided (evidence only). Condition: Thyroid cancer, nonmedullary, 1. Review status: no classification provided. Collection method: in vitro. Allele origin: not applicable. Functional consequence: retained intron. Not counted in ClinVar's aggregate classification.

NM_001323289.2(CDKL5):c.65G>A (p.Gly22Glu)

Gene: CDKL5 (cyclin dependent kinase like 5; plus strand). Cytogenetic location: Xp22.13.
Variant type: single nucleotide variant.
Coding change: c.65G>A on transcript NM_001323289.2 (MANE Select); coding-DNA position 65, G replaced by A.
Protein change: p.Gly22Glu; replaces glycine 22 with glutamic acid.
Molecular consequence: missense variant.
Genome position (GRCh38, 1-based): chrX:18,510,820, G>A. VCF-style: chrX-18510820-G-A. GRCh37 (hg19) VCF-style: chrX-18528940-G-A.
Other names: NM_001323289.2(CDKL5):c.65G>A; p.Gly22Glu; c.65G>A, p.Gly22Glu (NM_001037343.2, NM_003159.3); short protein forms G22E.
Identifiers: ClinVar variation 803714 (VCV000803714.11), dbSNP rs1602232972, ClinGen allele CA412489767.
Genomic context (GRCh38, chrX:18,510,820, plus strand): 5'-TATAGCAGAGCTTTGTAGTTTGTATGCGTGCCCTTGATTGTTTACTTCTTTTTATTATAG[G>A]AGCCTATGGAGTTGTACTTAAATGCAGACACAAGGCAAGTACATTATTTTTAAAAAGAAA-3'
Protein context (NP_001310218.1, residues 12-32): KFEILGVVGE[Gly22Glu]AYGVVLKCRH